The following is an entry in ClinVar:

NM_001354768.3(NRL):c.382-5C>A

Gene: NRL (neural retina leucine zipper; minus strand). Cytogenetic location: 14q11.2.
Variant type: single nucleotide variant.
Coding change: c.382-5C>A on transcript NM_001354768.3 (MANE Select); 5 bases into the intron before coding-DNA position 382, C replaced by A.
Molecular consequence: intron variant.
Genome position (GRCh38, 1-based): chr14:24,081,573, G>T on the plus strand (C>A on the coding strand, the complement: NRL is on the minus strand). VCF-style: chr14-24081573-G-T. GRCh37 (hg19) VCF-style: chr14-24550782-G-T.
Other names: c.382-5C>A (NM_001354769.1, NM_006177.5); c.67-5C>A (NM_001354770.2).
Identifiers: ClinVar variation 2808898 (VCV002808898.4), dbSNP rs1415557106, ClinGen allele CA2624299142.

ClinVar aggregate classification (germline): Uncertain significance. Review status: criteria provided, multiple submitters, no conflicts (2 of 4 stars). 2 submissions from 2 submitters: Uncertain significance (2). Last evaluated 2022-11-15.

gnomAD v4.1: 2 of 1,590,720 alleles (0.00013%); highest among the groups gnomAD compares: South Asian, 0.0011%; no homozygotes.

Submissions (2):

Blueprint Genetics
Classification: Uncertain significance. Last evaluated: 2022-11-15. Review status: criteria provided, single submitter. Criteria: ACMG Guidelines, 2015. Collection method: clinical testing. Allele origin: germline.

Labcorp Genetics (formerly Invitae), Labcorp
Classification: Uncertain significance. Last evaluated: 2022-10-19. Review status: criteria provided, single submitter. Criteria: Invitae Variant Classification Sherloc (09022015). Collection method: clinical testing. Allele origin: germline.
Comment: This variant has not been reported in the literature in individuals affected with NRL-related conditions. In summary, the available evidence is currently insufficient to determine the role of this variant in disease. Therefore, it has been classified as a Variant of Uncertain Significance. Algorithms developed to predict the effect of sequence changes on RNA splicing suggest that this variant may create or strengthen a splice site. This variant is not present in population databases (gnomAD no frequency). This sequence change falls in intron 2 of the NRL gene. It does not directly change the encoded amino acid sequence of the NRL protein.